The following is an entry in ClinVar:

ClinVar aggregate classification (germline): Uncertain significance (1 of 4 stars; one submission).

Conditions:
Carnitine palmitoyltransferase II deficiency. Also called: Carnitine Palmitoyltransferase 2 Deficiency. Identifiers: Orphanet 157, MedGen C0342790, MONDO:0015515.

Allele frequency attached by ClinVar (database versions not stated): gnomAD 0.00003.

Submission:

Labcorp Genetics (formerly Invitae), Labcorp
Classification: Uncertain significance for Carnitine palmitoyltransferase II deficiency. Last evaluated: 2022-08-09. Review status: criteria provided, single submitter. Criteria: Invitae Variant Classification Sherloc (09022015). Collection method: clinical testing. Allele origin: germline.
Comment: In summary, the available evidence is currently insufficient to determine the role of this variant in disease. Therefore, it has been classified as a Variant of Uncertain Significance. Advanced modeling of protein sequence and biophysical properties (such as structural, functional, and spatial information, amino acid conservation, physicochemical variation, residue mobility, and thermodynamic stability) performed at Invitae indicates that this missense variant is not expected to disrupt CPT2 protein function. ClinVar contains an entry for this variant (Variation ID: 1355325). This variant has not been reported in the literature in individuals affected with CPT2-related conditions. This variant is present in population databases (no rsID available, gnomAD 0.01%). This sequence change replaces arginine, which is basic and polar, with glycine, which is neutral and non-polar, at codon 23 of the CPT2 protein (p.Arg23Gly).

NM_000098.3(CPT2):c.67C>G (p.Arg23Gly)

Genes: CPT2 (carnitine palmitoyltransferase 2; plus strand), LOC129930561 (ATAC-STARR-seq lymphoblastoid silent region 902; plus strand). Cytogenetic location: 1p32.3.
Variant type: single nucleotide variant.
Coding change: c.67C>G on transcript NM_000098.3 (MANE Select); coding-DNA position 67, C replaced by G.
Protein change: p.Arg23Gly; replaces arginine 23 with glycine.
Molecular consequence: missense variant.
Genome position (GRCh38, 1-based): chr1:53,197,010, C>G. VCF-style: chr1-53197010-C-G. GRCh37 (hg19) VCF-style: chr1-53662682-C-G.
Other names: c.67C>G, p.Arg23Gly (NM_001330589.2); short protein forms R23G.
Identifiers: ClinVar variation 1355325 (VCV001355325.5), dbSNP rs1329055231, ClinGen allele CA340388671.